The following is an entry in ClinVar:

ClinVar aggregate classification (germline): Conflicting classifications of pathogenicity. Review status: criteria provided, conflicting classifications (1 of 4 stars). 4 submissions from 4 submitters: Uncertain significance (2); Likely benign (1). 1 of the submissions does not count toward it. Last evaluated 2024-01-11.

Conditions:
PCDH15-related disorder. Also called: PCDH15-related condition; PCDH15-related disorders.

Allele frequency attached by ClinVar (database versions not stated): gnomAD exomes 0.00005 and 0.00014; ExAC 0.00019; 1000 Genomes Project 0.00040; gnomAD 0.00060 and 0.00066; TOPMed 0.00060; ESP Exome Variant Server 0.00068; 1000 Genomes Project 30x 0.00078.
gnomAD v4.1: 168 of 1,613,674 alleles (0.01%); highest among the groups gnomAD compares: African/African-American, 0.2%; no homozygotes.

Submissions (4):

Blueprint Genetics
Classification: Likely benign. Last evaluated: 2024-01-11. Review status: criteria provided, single submitter. Criteria: ACMG Guidelines, 2015. Collection method: clinical testing. Allele origin: germline.

Eurofins Ntd Llc (ga)
Classification: Uncertain significance. Last evaluated: 2016-10-12. Review status: criteria provided, single submitter. Criteria: EGL Classification Definitions 2015. Collection method: clinical testing. Allele origin: germline. Observed: 1 variant allele, 1 heterozygote.

Breakthrough Genomics
Classification: Uncertain significance. Review status: criteria provided, single submitter. Criteria: ACMG Guidelines, 2015. Collection method: not provided. Allele origin: germline. Inheritance: Autosomal recessive inheritance. Affected: yes.

PreventionGenetics, part of Exact Sciences
Classification: Likely benign for PCDH15-related condition. Last evaluated: 2024-09-17. Review status: no assertion criteria provided. Collection method: clinical testing. Allele origin: germline. Not counted in ClinVar's aggregate classification.
Comment: This variant is classified as likely benign based on ACMG/AMP sequence variant interpretation guidelines (Richards et al. 2015 PMID: 25741868, with internal and published modifications).

NM_001384140.1(PCDH15):c.5022C>T (p.Ala1674=)

Gene: PCDH15 (protocadherin related 15; minus strand). Cytogenetic location: 10q21.1.
Variant type: single nucleotide variant.
Coding change: c.5022C>T on transcript NM_001384140.1 (MANE Select); coding-DNA position 5022, C replaced by T.
Protein change: p.Ala1674=; no amino-acid change (alanine 1674 retained).
Molecular consequence: synonymous variant.
Genome position (GRCh38, 1-based): chr10:53,806,780, G>A on the plus strand (C>T on the coding strand, the complement: PCDH15 is on the minus strand). VCF-style: chr10-53806780-G-A. GRCh37 (hg19) VCF-style: chr10-55566540-G-A.
Other names: c.4956C>T (NM_001354429.1); c.4848C>T, p.Ala1616= (NM_001142771.2); c.4833C>T, p.Ala1611= (NM_001142772.2); c.4827C>T, p.Ala1609= (NM_001354420.2); c.4956C>T, p.Ala1652= (NM_001354429.2).
Identifiers: ClinVar variation 497391 (VCV000497391.8), dbSNP rs377244811, ClinGen allele CA5504539.